The following is an entry in ClinVar:

NM_000057.4(BLM):c.3228T>G (p.Asp1076Glu)

Gene: BLM (BLM RecQ like helicase; plus strand). Cytogenetic location: 15q26.1.
Variant type: single nucleotide variant.
Coding change: c.3228T>G on transcript NM_000057.4 (MANE Select); coding-DNA position 3228, T replaced by G.
Protein change: p.Asp1076Glu; replaces aspartic acid 1076 with glutamic acid.
Molecular consequence: missense variant.
Genome position (GRCh38, 1-based): chr15:90,798,207, T>G. VCF-style: chr15-90798207-T-G. GRCh37 (hg19) VCF-style: chr15-91341437-T-G.
Other names: c.3228T>G, p.Asp1076Glu (NM_001287246.2, NM_001287247.2); c.2103T>G, p.Asp701Glu (NM_001287248.2); short protein forms D1076E, D701E.
Identifiers: ClinVar variation 1061708 (VCV001061708.9), dbSNP rs2151190260, ClinGen allele CA393847140.

ClinVar aggregate classification (germline): Uncertain significance. Review status: criteria provided, multiple submitters, no conflicts (2 of 4 stars). 3 submissions from 3 submitters: Uncertain significance (3). Last evaluated 2025-04-28.

Conditions:
Bloom syndrome (BLM). Also called: Bloom-Torre-Machacek syndrome. Identifiers: Orphanet 125, MedGen C0005859, MONDO:0008876, OMIM 210900.
Hereditary cancer-predisposing syndrome. Also called: Neoplastic Syndromes, Hereditary; Hereditary Cancer Syndrome; Hereditary neoplastic syndrome; Tumor predisposition. Identifiers: Orphanet 140162, MedGen C0027672, MeSH D009386, MONDO:0015356.

gnomAD v4.1: 1 of 1,607,332 alleles (0.000062%); no homozygotes.

Submissions (3):

Labcorp Genetics (formerly Invitae), Labcorp
Classification: Uncertain significance for Bloom syndrome. Last evaluated: 2025-04-28. Review status: criteria provided, single submitter. Criteria: Invitae Variant Classification Sherloc (09022015). Collection method: clinical testing. Allele origin: germline.
Comment: This sequence change replaces aspartic acid, which is acidic and polar, with glutamic acid, which is acidic and polar, at codon 1076 of the BLM protein (p.Asp1076Glu). This variant is not present in population databases (gnomAD no frequency). This variant has not been reported in the literature in individuals affected with BLM-related conditions. ClinVar contains an entry for this variant (Variation ID: 1061708). Invitae Evidence Modeling of protein sequence and biophysical properties (such as structural, functional, and spatial information, amino acid conservation, physicochemical variation, residue mobility, and thermodynamic stability) indicates that this missense variant is not expected to disrupt BLM protein function with a negative predictive value of 80%. In summary, the available evidence is currently insufficient to determine the role of this variant in disease. Therefore, it has been classified as a Variant of Uncertain Significance.

Ambry Genetics
Classification: Uncertain significance for Hereditary cancer-predisposing syndrome. Last evaluated: 2022-11-10. Review status: criteria provided, single submitter. Criteria: Ambry Variant Classification Scheme 2023. Collection method: clinical testing. Allele origin: germline.
Comment: The p.D1076E variant (also known as c.3228T>G), located in coding exon 16 of the BLM gene, results from a T to G substitution at nucleotide position 3228. The aspartic acid at codon 1076 is replaced by glutamic acid, an amino acid with highly similar properties. This amino acid position is conserved. In addition, this alteration is predicted to be tolerated by in silico analysis. Since supporting evidence is limited at this time, the clinical significance of this alteration remains unclear.

Sema4
Classification: Uncertain significance for Hereditary cancer-predisposing syndrome. Last evaluated: 2021-05-06. Review status: criteria provided, single submitter. Criteria: Sema4 Curation Guidelines. Collection method: curation. Allele origin: germline.
Comment: The BLM c.3228T>G (p.D1076E) variant has not been reported in literature to our knowledge. This variant was not observed in the large and broad cohorts of the Genome Aggregation Database (PMID: 32461654). This variant has been reported in ClinVar (Variation ID 1061708). Computational analyses and evolutionary conservation data do not provide strong support for or against an impact to the protein, however these predictions have not been confirmed by published functional studies. The overall evidence is insufficient to meet ACMG/AMP criteria for classifying it as benign or pathogenic. In summary, the clinical significance of this variant is currently uncertain.